The following is an entry in ClinVar:

ClinVar aggregate classification (germline): Uncertain significance (1 of 4 stars; one submission).

Conditions:
Dyskeratosis congenita. Identifiers: Orphanet 1775, MedGen C0265965, MONDO:0015780.

Submission:

Ambry Genetics
Classification: Uncertain significance for Dyskeratosis congenita. Last evaluated: 2022-01-07. Review status: criteria provided, single submitter. Criteria: Ambry Variant Classification Scheme 2023. Collection method: clinical testing. Allele origin: germline.
Comment: The p.C982S variant (also known as c.2945G>C), located in coding exon 12 of the TERT gene, results from a G to C substitution at nucleotide position 2945. The cysteine at codon 982 is replaced by serine, an amino acid with dissimilar properties. This amino acid position is conserved. In addition, the in silico prediction for this alteration is inconclusive. Since supporting evidence is limited at this time, the clinical significance of this alteration remains unclear.

NM_198253.3(TERT):c.2945G>C (p.Cys982Ser)

Gene: TERT (telomerase reverse transcriptase; minus strand). Cytogenetic location: 5p15.33.
Variant type: single nucleotide variant.
Coding change: c.2945G>C on transcript NM_198253.3 (MANE Select); coding-DNA position 2945, G replaced by C.
Protein change: p.Cys982Ser; replaces cysteine 982 with serine.
Molecular consequence: missense variant. On other transcripts: non-coding transcript variant (2).
Genome position (GRCh38, 1-based): chr5:1,260,499, C>G on the plus strand (G>C on the coding strand, the complement: TERT is on the minus strand). VCF-style: chr5-1260499-C-G. GRCh37 (hg19) VCF-style: chr5-1260614-C-G.
Other names: c.2756G>C, p.Cys919Ser (NM_001193376.3); c.2945G>C, p.Cys982Ser (NM_003219.1); short protein forms C919S, C982S.
Identifiers: ClinVar variation 1797965 (VCV001797965.2), dbSNP rs1554038806, ClinGen allele CA359069751.